The following is an entry in ClinVar:

NM_152281.3(GORAB):c.559del (p.Arg187fs)

Gene: GORAB (golgin, RAB6 interacting; plus strand). Cytogenetic location: 1q24.2.
Variant type: Deletion.
Coding change: c.559del on transcript NM_152281.3 (MANE Select); coding-DNA position 559, one base deleted (C; older notation c.559delC).
Protein change: p.Arg187fs; shifts the reading frame from arginine 187.
Molecular consequence: frameshift variant. On other transcripts: non-coding transcript variant (1).
Genome position (GRCh38, 1-based): chr1:170,544,742, C deleted. VCF-style (leftmost placement, unchanged base first): chr1-170544741-GC-G. GRCh37 (hg19) VCF-style: chr1-170513882-GC-G.
Other names: c.559del, p.Arg187fs (NM_001146039.2); c.94del, p.Arg32fs (NM_001320252.2); c.508delC, p.Arg170Glyfs (NM_001410894.1); short protein forms R32fs, R187fs.
Identifiers: ClinVar variation 2024831 (VCV002024831.4), dbSNP rs1395554751, ClinGen allele CA891011556.

ClinVar aggregate classification (germline): Pathogenic (1 of 4 stars; one submission).

Allele frequency attached by ClinVar (database versions not stated): gnomAD 0.00001; gnomAD exomes below 0.00001; TOPMed 0.00001.

Submission:

Labcorp Genetics (formerly Invitae), Labcorp
Classification: Pathogenic. Last evaluated: 2026-01-11. Review status: criteria provided, single submitter. Criteria: Invitae Variant Classification Sherloc (09022015). Collection method: clinical testing. Allele origin: germline.
Comment: This sequence change creates a premature translational stop signal (p.Arg212Glyfs*9) in the GORAB gene. It is expected to result in an absent or disrupted protein product. Loss-of-function variants in GORAB are known to be pathogenic (PMID: 18997784, 19681135). This variant is not present in population databases (gnomAD no frequency). This variant has not been reported in the literature in individuals affected with GORAB-related conditions. ClinVar contains an entry for this variant (Variation ID: 2024831). For these reasons, this variant has been classified as Pathogenic.

Literature cited by the submitters: PubMed 18997784; PubMed 19681135.